The following is an entry in ClinVar:

NM_006015.6(ARID1A):c.4152C>T (p.His1384=)

Gene: ARID1A (AT-rich interaction domain 1A; plus strand). Cytogenetic location: 1p36.11.
Variant type: single nucleotide variant.
Coding change: c.4152C>T on transcript NM_006015.6 (MANE Select); coding-DNA position 4152, C replaced by T.
Protein change: p.His1384=; no amino-acid change (histidine 1384 retained).
Molecular consequence: synonymous variant. On other transcripts: intron variant (1).
Genome position (GRCh38, 1-based): chr1:26,774,379, C>T. VCF-style: chr1-26774379-C-T. GRCh37 (hg19) VCF-style: chr1-27100870-C-T.
Other names: c.4101+481C>T (NM_139135.4).
Identifiers: ClinVar variation 1274554 (VCV001274554.25), dbSNP rs149908828, ClinGen allele CA707426.

ClinVar aggregate classification (germline): Benign/Likely benign. Review status: criteria provided, multiple submitters, no conflicts (2 of 4 stars). 6 submissions from 6 submitters: Benign (4); Likely benign (2). Last evaluated 2026-03-01.

Conditions:
Intellectual disability, autosomal dominant 14 (CSS2). Also called: COFFIN-SIRIS SYNDROME 2. Identifiers: Orphanet 1465, MedGen C3553247, MONDO:0013819, OMIM 614607.

Allele frequency attached by ClinVar (database versions not stated): gnomAD exomes 0.00010 and 0.00027; ExAC 0.00037; 1000 Genomes Project 30x 0.00047; 1000 Genomes Project 0.00060; ESP Exome Variant Server 0.00077; gnomAD 0.00096 and 0.00100; TOPMed 0.00096.
gnomAD v4.1: 304 of 1,571,874 alleles (0.019%); highest among the groups gnomAD compares: African/African-American, 0.3%; no homozygotes.

Submissions (6):

CeGaT Center for Human Genetics Tuebingen
Classification: Likely benign. Last evaluated: 2026-03-01. Review status: criteria provided, single submitter. Criteria: CeGaT Center For Human Genetics Tuebingen Variant Classification Criteria Version 2. Collection method: clinical testing. Allele origin: germline. Affected: yes. Observed: 2 variant alleles.
Comment: ARID1A: BP4, BP7

Labcorp Genetics (formerly Invitae), Labcorp
Classification: Benign. Last evaluated: 2025-12-01. Review status: criteria provided, single submitter. Criteria: Invitae Variant Classification Sherloc (09022015). Collection method: clinical testing. Allele origin: germline.

Blueprint Genetics
Classification: Likely benign. Last evaluated: 2024-08-09. Review status: criteria provided, single submitter. Criteria: ACMG Guidelines, 2015. Collection method: clinical testing. Allele origin: germline.

Genome-Nilou Lab
Classification: Benign for Intellectual disability, autosomal dominant 14. Last evaluated: 2021-12-05. Review status: criteria provided, single submitter. Criteria: ACMG Guidelines, 2015. Collection method: clinical testing. Allele origin: germline. Affected: no.

GeneDx
Classification: Benign. Last evaluated: 2019-11-12. Review status: criteria provided, single submitter. Criteria: GeneDx Variant Classification Process June 2021. Collection method: clinical testing. Allele origin: germline. Affected: yes.

Breakthrough Genomics
Classification: Benign. Review status: criteria provided, single submitter. Criteria: ACMG Guidelines, 2015. Collection method: not provided. Allele origin: germline. Inheritance: Autosomal dominant inheritance. Affected: yes.